The following is an entry in ClinVar:

NM_007050.6(PTPRT):c.3630C>T (p.Asp1210=)

Gene: PTPRT (protein tyrosine phosphatase receptor type T; minus strand). Cytogenetic location: 20q12.
Variant type: single nucleotide variant.
Coding change: c.3630C>T on transcript NM_007050.6 (MANE Select); coding-DNA position 3630, C replaced by T.
Protein change: p.Asp1210=; no amino-acid change (aspartic acid 1210 retained).
Molecular consequence: synonymous variant.
Genome position (GRCh38, 1-based): chr20:42,102,208, G>A on the plus strand (C>T on the coding strand, the complement: PTPRT is on the minus strand). VCF-style: chr20-42102208-G-A. GRCh37 (hg19) VCF-style: chr20-40730848-G-A.
Other names: c.3687C>T, p.Asp1229= (NM_133170.4).
Identifiers: ClinVar variation 730922 (VCV000730922.5), dbSNP rs35010609, ClinGen allele CA9863817.

ClinVar aggregate classification (germline): Likely benign. Review status: criteria provided, single submitter (1 of 4 stars). 2 submissions from 2 submitters: Likely benign (1). 1 of the submissions does not count toward it. Last evaluated 2018-07-05.

Conditions:
PTPRT-related disorder. Also called: PTPRT-related condition.

Allele frequency attached by ClinVar (database versions not stated): gnomAD exomes 0.00013 and 0.00016; ExAC 0.00016; ESP Exome Variant Server 0.00023; gnomAD 0.00072 and 0.00075; TOPMed 0.00099; 1000 Genomes Project 30x 0.00141; 1000 Genomes Project 0.00160.
gnomAD v4.1: 303 of 1,614,132 alleles (0.019%); highest among the groups gnomAD compares: African/African-American, 0.16%; 1 homozygote.

Submissions (2):

Labcorp Genetics (formerly Invitae), Labcorp
Classification: Likely benign. Last evaluated: 2018-07-05. Review status: criteria provided, single submitter. Criteria: Invitae Variant Classification Sherloc (09022015). Collection method: clinical testing. Allele origin: germline.

PreventionGenetics, part of Exact Sciences
Classification: Likely benign for PTPRT-related condition. Last evaluated: 2019-12-23. Review status: no assertion criteria provided. Collection method: clinical testing. Allele origin: germline. Not counted in ClinVar's aggregate classification.
Comment: This variant is classified as likely benign based on ACMG/AMP sequence variant interpretation guidelines (Richards et al. 2015 PMID: 25741868, with internal and published modifications).